The following is an entry in ClinVar:

ClinVar aggregate classification (germline): Uncertain significance (1 of 4 stars; one submission).

Conditions:
Growth hormone insensitivity with immune dysregulation 1, autosomal recessive. Also called: GROWTH HORMONE INSENSITIVITY DUE TO POSTRECEPTOR DEFECT; Laron syndrome with immunodeficiency; GROWTH HORMONE INSENSITIVITY SYNDROME WITH IMMUNE DYSREGULATION 1, AUTOSOMAL RECESSIVE; LARON SYNDROME DUE TO POSTRECEPTOR DEFECT. Identifiers: Orphanet 220465, MedGen C5435698, MONDO:0100211, OMIM 245590.

Submission:

Labcorp Genetics (formerly Invitae), Labcorp
Classification: Uncertain significance for Growth hormone insensitivity with immune dysregulation 1, autosomal recessive. Last evaluated: 2023-02-14. Review status: criteria provided, single submitter. Criteria: Invitae Variant Classification Sherloc (09022015). Collection method: clinical testing. Allele origin: germline.
Comment: This variant is not present in population databases (gnomAD no frequency). This variant has not been reported in the literature in individuals affected with STAT5B-related conditions. Algorithms developed to predict the effect of sequence changes on RNA splicing suggest that this variant may create or strengthen a splice site. In summary, the available evidence is currently insufficient to determine the role of this variant in disease. Therefore, it has been classified as a Variant of Uncertain Significance. This sequence change falls in intron 17 of the STAT5B gene. It does not directly change the encoded amino acid sequence of the STAT5B protein.

NM_012448.4(STAT5B):c.2130-5T>A

Gene: STAT5B (signal transducer and activator of transcription 5B; minus strand). Cytogenetic location: 17q21.2.
Variant type: single nucleotide variant.
Coding change: c.2130-5T>A on transcript NM_012448.4 (MANE Select); 5 bases into the intron before coding-DNA position 2130, T replaced by A.
Molecular consequence: intron variant.
Genome position (GRCh38, 1-based): chr17:42,202,452, A>T on the plus strand (T>A on the coding strand, the complement: STAT5B is on the minus strand). VCF-style: chr17-42202452-A-T. GRCh37 (hg19) VCF-style: chr17-40354470-A-T.
Identifiers: ClinVar variation 2836849 (VCV002836849.3), dbSNP rs2508698098, ClinGen allele CA2739267546.